The following is an entry in ClinVar:

ClinVar aggregate classification (germline): Uncertain significance (1 of 4 stars; one submission).

gnomAD v4.1: 82 of 1,613,328 alleles (0.0051%); highest among the groups gnomAD compares: Non-Finnish European, 0.0058%; no homozygotes.

Submission:

Labcorp Genetics (formerly Invitae), Labcorp
Classification: Uncertain significance. Last evaluated: 2025-02-19. Review status: criteria provided, single submitter. Criteria: Invitae Variant Classification Sherloc (09022015). Collection method: clinical testing. Allele origin: germline.
Comment: This sequence change replaces proline, which is neutral and non-polar, with leucine, which is neutral and non-polar, at codon 232 of the TOP1MT protein (p.Pro232Leu). This variant is present in population databases (rs765746280, gnomAD 0.01%). This variant has not been reported in the literature in individuals affected with TOP1MT-related conditions. Invitae Evidence Modeling of protein sequence and biophysical properties (such as structural, functional, and spatial information, amino acid conservation, physicochemical variation, residue mobility, and thermodynamic stability) indicates that this missense variant is not expected to disrupt TOP1MT protein function with a negative predictive value of 80%. In summary, the available evidence is currently insufficient to determine the role of this variant in disease. Therefore, it has been classified as a Variant of Uncertain Significance.

NM_052963.3(TOP1MT):c.695C>T (p.Pro232Leu)

Gene: TOP1MT (DNA topoisomerase I mitochondrial; minus strand). Cytogenetic location: 8q24.3.
Variant type: single nucleotide variant.
Coding change: c.695C>T on transcript NM_052963.3 (MANE Select); coding-DNA position 695, C replaced by T.
Protein change: p.Pro232Leu; replaces proline 232 with leucine.
Molecular consequence: missense variant.
Genome position (GRCh38, 1-based): chr8:143,324,606, G>A on the plus strand (C>T on the coding strand, the complement: TOP1MT is on the minus strand). VCF-style: chr8-143324606-G-A. GRCh37 (hg19) VCF-style: chr8-144406776-G-A.
Other names: c.401C>T, p.Pro134Leu (NM_001258446.1, NM_001258447.1); short protein forms P134L, P232L.
Identifiers: ClinVar variation 4753037 (VCV004753037.1).
Genomic context (GRCh38, chr8:143,324,606, plus strand): 5'-CAAGCTGCCAGCCACGTGACGGTGTTATCGGAGCGCACCTCCTTCCACTGGTGCCCCGCC[G>A]GCGGCTCGGGGATCTTCGAGTCCCTGCAGCAGAACAACGACCCAAACATAACTTGGAGAC-3'
Protein context (NP_443195.1, residues 222-242): CSRDSKIPEP[Pro232Leu]AGHQWKEVRS